The following is an entry in ClinVar:

ClinVar aggregate classification (germline): Conflicting classifications of pathogenicity. Review status: criteria provided, conflicting classifications (1 of 4 stars). 7 submissions from 7 submitters: Uncertain significance (5); Likely benign (2). Last evaluated 2025-12-16.

Conditions:
Progressive sclerosing poliodystrophy (MTDPS4A). Also called: Alpers Syndrome; ALPERS DIFFUSE DEGENERATION OF CEREBRAL GRAY MATTER WITH HEPATIC CIRRHOSIS; Alpers-Huttenlocher Syndrome; NEURONAL DEGENERATION OF CHILDHOOD WITH LIVER DISEASE, PROGRESSIVE; ALPERS PROGRESSIVE INFANTILE POLIODYSTROPHY; Mitochondrial DNA depletion syndrome 4A (Alpers type). Identifiers: Orphanet 726, MedGen C0205710, MONDO:0008758, OMIM 203700.

Allele frequency attached by ClinVar (database versions not stated): TOPMed 0.00005.
gnomAD v4.1: 158 of 1,613,522 alleles (0.0098%); highest among the groups gnomAD compares: Non-Finnish European, 0.013%; no homozygotes.

Submissions (7):

Labcorp Genetics (formerly Invitae), Labcorp
Classification: Likely benign for Progressive sclerosing poliodystrophy. Last evaluated: 2025-12-16. Review status: criteria provided, single submitter. Criteria: Invitae Variant Classification Sherloc (09022015). Collection method: clinical testing. Allele origin: germline.

Athena Diagnostics
Classification: Uncertain significance. Last evaluated: 2025-07-18. Review status: criteria provided, single submitter. Criteria: Athena Diagnostics Criteria. Collection method: clinical testing. Allele origin: unknown.
Comment: Available data are insufficient to determine the clinical significance of the variant at this time. The frequency of this variant in the general population is uninformative in assessment of its pathogenicity. Polyphen and MutationTaster predict this amino acid change may be benign.

Blueprint Genetics
Classification: Uncertain significance. Last evaluated: 2024-10-24. Review status: criteria provided, single submitter. Criteria: ACMG Guidelines, 2015. Collection method: clinical testing. Allele origin: germline.

Women's Health and Genetics/Laboratory Corporation of America, LabCorp
Classification: Uncertain significance. Last evaluated: 2023-10-03. Review status: criteria provided, single submitter. Criteria: LabCorp Variant Classification Summary - May 2015. Collection method: clinical testing. Allele origin: germline.
Comment: Variant summary: POLG c.970C>A (p.Pro324Thr) results in a non-conservative amino acid change located in the DNA mitochondrial polymerase, exonuclease domain (IPR041336) of the encoded protein sequence. Four of five in-silico tools predict a benign effect of the variant on protein function. The variant allele was found at a frequency of 8.4e-05 in 250106 control chromosomes (gnomAD). To our knowledge, no occurrence of c.970C>A in individuals affected with POLG-Related Spectrum Disorders and no experimental evidence demonstrating its impact on protein function have been reported. Four submitters have cited clinical-significance assessments for this variant to ClinVar after 2014 and classified the variant as VUS(n=2) and likely benign(n=2). Based on the evidence outlined above, the variant was classified as uncertain significance.

Greenwood Genetic Center Diagnostic Laboratories, Greenwood Genetic Center
Classification: Uncertain significance. Last evaluated: 2023-02-28. Review status: criteria provided, single submitter. Criteria: ACMG Guidelines, 2015. Collection method: clinical testing. Allele origin: germline. Affected: yes.
Comment: PM2, BP4

GeneDx
Classification: Likely benign. Last evaluated: 2019-11-06. Review status: criteria provided, single submitter. Criteria: GeneDx Variant Classification Process June 2021. Collection method: clinical testing. Allele origin: germline. Affected: yes.

Genetic Services Laboratory, University of Chicago
Classification: Uncertain significance. Last evaluated: 2014-04-07. Review status: criteria provided, single submitter. Criteria: ACMG Guidelines, 2007. Collection method: clinical testing. Allele origin: germline.

Literature cited by the submitters: PubMed 37926714 (cited by Athena Diagnostics); PubMed 31440721 (cited by Athena Diagnostics).

NM_002693.3(POLG):c.970C>A (p.Pro324Thr)

Gene: POLG (DNA polymerase gamma, catalytic subunit; minus strand). Cytogenetic location: 15q26.1.
Variant type: single nucleotide variant.
Coding change: c.970C>A on transcript NM_002693.3 (MANE Select); coding-DNA position 970, C replaced by A.
Protein change: p.Pro324Thr; replaces proline 324 with threonine.
Molecular consequence: missense variant.
Genome position (GRCh38, 1-based): chr15:89,328,996, G>T on the plus strand (C>A on the coding strand, the complement: POLG is on the minus strand). VCF-style: chr15-89328996-G-T. GRCh37 (hg19) VCF-style: chr15-89872227-G-T.
Other names: c.970C>A, p.Pro324Thr (NM_001126131.2); short protein forms P324T.
Identifiers: ClinVar variation 211927 (VCV000211927.24), dbSNP rs2307437, ClinGen allele CA209652.